The following is an entry in ClinVar:

NM_001931.5(DLAT):c.1225G>C (p.Gly409Arg)

Gene: DLAT (dihydrolipoamide S-acetyltransferase; plus strand). Cytogenetic location: 11q23.1.
Variant type: single nucleotide variant.
Coding change: c.1225G>C on transcript NM_001931.5 (MANE Select); coding-DNA position 1225, G replaced by C.
Protein change: p.Gly409Arg; replaces glycine 409 with arginine.
Molecular consequence: missense variant. On other transcripts: non-coding transcript variant (1).
Genome position (GRCh38, 1-based): chr11:112,045,165, G>C. VCF-style: chr11-112045165-G-C. GRCh37 (hg19) VCF-style: chr11-111915889-G-C.
Other names: c.1225G>C, p.Gly409Arg (NM_001372031.1, NM_001372033.1, NM_001372035.1); c.1219G>C, p.Gly407Arg (NM_001372032.1); c.1192G>C, p.Gly398Arg (NM_001372034.1); c.1099G>C, p.Gly367Arg (NM_001372036.1); c.1057G>C, p.Gly353Arg (NM_001372037.1); c.946G>C, p.Gly316Arg (NM_001372038.1); c.910G>C, p.Gly304Arg (NM_001372039.1, NM_001372041.1); c.844G>C, p.Gly282Arg (NM_001372040.1); and 1 more; short protein forms G255R, G282R, G304R, G316R, G353R, G367R, G398R, G407R.
Identifiers: ClinVar variation 3899200 (VCV003899200.1).

ClinVar aggregate classification (germline): Uncertain significance (1 of 4 stars; one submission).

gnomAD v4.1: 4 of 1,613,998 alleles (0.00025%); highest among the groups gnomAD compares: African/African-American, 0.0053%; no homozygotes.

Submission:

GeneDx
Classification: Uncertain significance. Last evaluated: 2024-11-11. Review status: criteria provided, single submitter. Criteria: GeneDx Variant Classification Process June 2021. Collection method: clinical testing. Allele origin: germline. Affected: yes.
Comment: Not observed at significant frequency in large population cohorts (gnomAD); In silico analysis indicates that this missense variant does not alter protein structure/function; Has not been previously published as pathogenic or benign to our knowledge